The following is an entry in ClinVar:

ClinVar aggregate classification (germline): Conflicting classifications of pathogenicity. Review status: criteria provided, conflicting classifications (1 of 4 stars). 4 submissions from 4 submitters: Uncertain significance (2); Likely benign (2). Last evaluated 2026-02-01.

Conditions:
Cardiomyopathy (CMYO). Also called: Cardiomyopathies. Identifiers: Orphanet 167848, MedGen C0878544, MONDO:0004994, HP:0001638. Inheritance: Various modes of inheritance.
Hypertrophic cardiomyopathy. Also called: HYPERTROPHIC MYOCARDIOPATHY. Identifiers: Orphanet 217569, MedGen C0007194, MeSH D002312, MONDO:0005045, HP:0001639.

Allele frequency attached by ClinVar (database versions not stated): TOPMed below 0.00001; gnomAD exomes 0.00001.

Submissions (4):

Labcorp Genetics (formerly Invitae), Labcorp
Classification: Uncertain significance for Hypertrophic cardiomyopathy. Last evaluated: 2026-02-01. Review status: criteria provided, single submitter. Criteria: Invitae Variant Classification Sherloc (09022015). Collection method: clinical testing. Allele origin: germline.
Comment: This sequence change replaces valine, which is neutral and non-polar, with isoleucine, which is neutral and non-polar, at codon 125 of the MYH7 protein (p.Val125Ile). This variant is not present in population databases (gnomAD no frequency). This variant has not been reported in the literature in individuals affected with MYH7-related conditions. ClinVar contains an entry for this variant (Variation ID: 181168). Invitae Evidence Modeling of protein sequence and biophysical properties (such as structural, functional, and spatial information, amino acid conservation, physicochemical variation, residue mobility, and thermodynamic stability) indicates that this missense variant is not expected to disrupt MYH7 protein function with a negative predictive value of 95%. In summary, the available evidence is currently insufficient to determine the role of this variant in disease. Therefore, it has been classified as a Variant of Uncertain Significance.

Color Diagnostics, LLC DBA Color Health
Classification: Likely benign for Cardiomyopathy. Last evaluated: 2025-08-19. Review status: criteria provided, single submitter. Criteria: ACMG Guidelines, 2015. Collection method: clinical testing. Allele origin: germline.

Blueprint Genetics
Classification: Uncertain significance. Last evaluated: 2024-10-25. Review status: criteria provided, single submitter. Criteria: ACMG Guidelines, 2015. Collection method: clinical testing. Allele origin: germline.

GeneDx
Classification: Likely benign. Last evaluated: 2012-05-01. Review status: criteria provided, single submitter. Criteria: GeneDx Variant Classification (06012015). Collection method: clinical testing. Allele origin: germline. Affected: yes.
Comment: This variant is considered likely benign or benign based on one or more of the following criteria: it is a conservative change, it occurs at a poorly conserved position in the protein, it is predicted to be benign by multiple in silico algorithms, and/or has population frequency not consistent with disease.

NM_000257.4(MYH7):c.373G>A (p.Val125Ile)

Gene: MYH7 (myosin heavy chain 7; minus strand). Cytogenetic location: 14q11.2.
Variant type: single nucleotide variant.
Coding change: c.373G>A on transcript NM_000257.4 (MANE Select); coding-DNA position 373, G replaced by A.
Protein change: p.Val125Ile; replaces valine 125 with isoleucine.
Molecular consequence: missense variant.
Genome position (GRCh38, 1-based): chr14:23,432,768, C>T on the plus strand (G>A on the coding strand, the complement: MYH7 is on the minus strand). VCF-style: chr14-23432768-C-T. GRCh37 (hg19) VCF-style: chr14-23901977-C-T.
Other names: p.V125I:GTC>ATC; c.373G>A (LRG_384t1); short protein forms V125I.
Identifiers: ClinVar variation 181168 (VCV000181168.7), dbSNP rs730880729, ClinGen allele CA014018.
Genomic context (GRCh38, chr14:23,432,768, plus strand): 5'-TGCCCCGGTAGGCAGCCACCACCTCAGGAGTGTACACCGGCAGCCACTTGTAAGGGTTGA[C>T]GGTGACACAGAAGAGGCCCGAGTAGGTCTGGGGATAGAAAAGGAGCAGTGACTTGCCAGT-3'
Protein context (NP_000248.2, residues 115-135): YTYSGLFCVT[Val125Ile]NPYKWLPVYT